The following is an entry in ClinVar:

ClinVar aggregate classification (germline): Uncertain significance (1 of 4 stars; one submission).

Submission:

GeneDx
Classification: Uncertain significance. Last evaluated: 2023-08-04. Review status: criteria provided, single submitter. Criteria: GeneDx Variant Classification Process June 2021. Collection method: clinical testing. Allele origin: germline. Affected: yes.
Comment: Not observed at significant frequency in large population cohorts (gnomAD); In silico analysis supports that this missense variant does not alter protein structure/function; Has not been previously published as pathogenic or benign to our knowledge

NM_007118.4(TRIO):c.3332A>G (p.Asn1111Ser)

Gene: TRIO (trio Rho guanine nucleotide exchange factor; plus strand). Cytogenetic location: 5p15.2.
Variant type: single nucleotide variant.
Coding change: c.3332A>G on transcript NM_007118.4 (MANE Select); coding-DNA position 3332, A replaced by G.
Protein change: p.Asn1111Ser; replaces asparagine 1111 with serine.
Molecular consequence: missense variant. On other transcripts: non-coding transcript variant (1).
Genome position (GRCh38, 1-based): chr5:14,378,012, A>G. VCF-style: chr5-14378012-A-G. GRCh37 (hg19) VCF-style: chr5-14378121-A-G.
Other names: short protein forms N1111S.
Identifiers: ClinVar variation 3361570 (VCV003361570.1).